The following is an entry in ClinVar:

NM_000455.5(STK11):c.863-20C>T

Gene: STK11 (serine/threonine kinase 11; plus strand). Cytogenetic location: 19p13.3.
Variant type: single nucleotide variant.
Coding change: c.863-20C>T on transcript NM_000455.5 (MANE Select); 20 bases into the intron before coding-DNA position 863, C replaced by T.
Molecular consequence: intron variant.
Genome position (GRCh38, 1-based): chr19:1,221,929, C>T. VCF-style: chr19-1221929-C-T. GRCh37 (hg19) VCF-style: chr19-1221928-C-T.
Identifiers: ClinVar variation 927847 (VCV000927847.6), dbSNP rs1250319696, ClinGen allele CA631033010.

ClinVar aggregate classification (germline): Likely benign. Review status: criteria provided, multiple submitters, no conflicts (2 of 4 stars). 3 submissions from 3 submitters: Likely benign (3). Last evaluated 2025-03-27.

Conditions:
Hereditary cancer-predisposing syndrome. Also called: Tumor predisposition; Hereditary neoplastic syndrome; Neoplastic Syndromes, Hereditary; Hereditary Cancer Syndrome. Identifiers: Orphanet 140162, MedGen C0027672, MeSH D009386, MONDO:0015356.
Peutz-Jeghers syndrome (PJS). Also called: POLYPOSIS, HAMARTOMATOUS INTESTINAL; POLYPS-AND-SPOTS SYNDROME; Peutz-Jeghers polyposis; Periorificial lentiginosis syndrome. Identifiers: Orphanet 2869, MedGen C0031269, MeSH D010580, MONDO:0008280, OMIM 175200.

Allele frequency attached by ClinVar (database versions not stated): gnomAD exomes below 0.00001; gnomAD 0.00001.
gnomAD v4.1: 3 of 1,550,856 alleles (0.00019%); highest among the groups gnomAD compares: African/African-American, 0.0014%; no homozygotes.

Submissions (3):

Myriad Genetics, Inc.
Classification: Likely benign for Peutz-Jeghers syndrome. Last evaluated: 2025-03-27. Review status: criteria provided, single submitter. Criteria: Myriad Autosomal Dominant, Autosomal Recessive and X-Linked Classification Criteria (2023). Collection method: clinical testing. Allele origin: unknown.
Comment: This variant is considered likely benign. This variant is intronic and is not expected to impact mRNA splicing.

Labcorp Genetics (formerly Invitae), Labcorp
Classification: Likely benign for Peutz-Jeghers syndrome. Last evaluated: 2023-02-27. Review status: criteria provided, single submitter. Criteria: Invitae Variant Classification Sherloc (09022015). Collection method: clinical testing. Allele origin: germline.

Color Diagnostics, LLC DBA Color Health
Classification: Likely benign for Hereditary cancer-predisposing syndrome. Last evaluated: 2018-12-04. Review status: criteria provided, single submitter. Criteria: ACMG Guidelines, 2015. Collection method: clinical testing. Allele origin: germline.